The following is an entry in ClinVar:

ClinVar aggregate classification (germline): Likely benign (1 of 4 stars; one submission).

Allele frequency attached by ClinVar (database versions not stated): ExAC 0.00003; gnomAD 0.00003; TOPMed 0.00003; gnomAD exomes 0.00004; ESP Exome Variant Server 0.00008.
gnomAD v4.1: 72 of 1,613,964 alleles (0.0045%); highest among the groups gnomAD compares: Middle Eastern, 0.066%; no homozygotes.

Submission:

CeGaT Center for Human Genetics Tuebingen
Classification: Likely benign. Last evaluated: 2022-10-01. Review status: criteria provided, single submitter. Criteria: CeGaT Center For Human Genetics Tuebingen Variant Classification Criteria Version 2. Collection method: clinical testing. Allele origin: germline. Affected: yes. Observed: 1 variant allele.
Comment: RPS6KA2: BP4, BP7

NM_021135.6(RPS6KA2):c.249C>T (p.Asp83=)

Gene: RPS6KA2 (ribosomal protein S6 kinase A2; minus strand). Cytogenetic location: 6q27.
Variant type: single nucleotide variant.
Coding change: c.249C>T on transcript NM_021135.6 (MANE Select); coding-DNA position 249, C replaced by T.
Protein change: p.Asp83=; no amino-acid change (aspartic acid 83 retained).
Molecular consequence: synonymous variant. On other transcripts: 5 prime UTR variant (1), intron variant (1).
Genome position (GRCh38, 1-based): chr6:166,531,281, G>A on the plus strand (C>T on the coding strand, the complement: RPS6KA2 is on the minus strand). VCF-style: chr6-166531281-G-A. GRCh37 (hg19) VCF-style: chr6-166944769-G-A.
Other names: c.273C>T, p.Asp91= (NM_001006932.3); c.324C>T, p.Asp108= (NM_001318936.2); c.-19C>T (NM_001318938.1); c.38-20957C>T (NM_001318937.2).
Identifiers: ClinVar variation 2657125 (VCV002657125.24), dbSNP rs147389590, ClinGen allele CA4094568.
Genomic context (GRCh38, chr6:166,531,281, plus strand): 5'-GAAGCTCTTACCTTTTAGGGTGGCTTTCTTAAGGACCTTCATGGCGTAGAGCTGCCCAGC[G>A]TCGGACCCCTTCACCTTCCTCACCAGGAACACCTTAGCAAGAGAAAACGGAACATCAGAA-3'
Protein context (NP_066958.2, residues 73-93): VFLVRKVKGS[Asp83=]AGQLYAMKVL